The following is an entry in ClinVar:

NM_000516.7(GNAS):c.596G>A (p.Arg199His)

Gene: GNAS (GNAS complex locus; plus strand). Cytogenetic location: 20q13.32.
Variant type: single nucleotide variant.
Coding change: c.596G>A on transcript NM_000516.7 (MANE Select); coding-DNA position 596, G replaced by A.
Protein change: p.Arg199His; replaces arginine 199 with histidine.
Molecular consequence: missense variant. On other transcripts: 3 prime UTR variant (2).
Genome position (GRCh38, 1-based): chr20:58,909,360, G>A. VCF-style: chr20-58909360-G-A. GRCh37 (hg19) VCF-style: chr20-57484415-G-A.
Other names: c.599G>A, p.Arg200His (NM_001077488.5); c.551G>A, p.Arg184His (NM_001077489.4); c.*457G>A (NM_001077490.3); c.419G>A, p.Arg140His (NM_001309840.2, NM_001309861.2, NM_001438276.1 and 1 more transcripts); c.500G>A, p.Arg167His (NM_001410912.1); c.2480G>A, p.Arg827His (NM_001410913.1); c.374G>A, p.Arg125His (NM_001438273.1, NM_001438274.1, NM_001438275.1); c.*502G>A (NM_016592.5); and 2 more; short protein forms R125H, R140H, R167H, R185H, R827H, R200H, R184H, R199H.
Identifiers: ClinVar variation 4995183 (VCV004995183.1).

ClinVar aggregate classification (germline): Uncertain significance (1 of 4 stars; one submission).

Conditions:
GNAS-related disorder. Identifiers: MedGen CN380105.

Submission:

PreventionGenetics, part of Exact Sciences
Classification: Uncertain significance for GNAS-related condition. Last evaluated: 2026-07-23. Review status: criteria provided, single submitter. Criteria: ACMG Guidelines, 2015. Collection method: clinical testing. Allele origin: germline.
Comment: The GNAS c.596G>A variant is predicted to result in the amino acid substitution p.Arg199His. To our knowledge, this variant has not been reported in the literature. This variant is reported in 0.0054% of alleles in individuals of East Asian descent in gnomAD. However, alternate missense variants of the same amino acid (p.Arg199Cys, p.Arg199Gly) have been reported in individuals with clinical features of GNAS-related disorders (Table S1, reported as p.R200G in Thiele et al. 2015. PubMed ID: 25802881; Supplemental Data, Mendes de Oliveira. 2021. PubMed ID: 34614324). At this time, the clinical significance of the p.Arg199His variant is uncertain due to the absence of conclusive functional and genetic evidence.